The following is an entry in ClinVar:

ClinVar aggregate classification (germline): Benign/Likely benign. Review status: criteria provided, multiple submitters, no conflicts (2 of 4 stars). 2 submissions from 2 submitters: Benign (1); Likely benign (1). Last evaluated 2025-02-14.

Conditions:
Breast-ovarian cancer, familial, susceptibility to, 3. Also called: RAD51C-Related Breast/Ovarian Cancer. Identifiers: Orphanet 145, MedGen C3150659, MONDO:0013253, OMIM 613399.
Hereditary cancer-predisposing syndrome. Also called: Neoplastic Syndromes, Hereditary; Tumor predisposition; Hereditary neoplastic syndrome; Hereditary Cancer Syndrome. Identifiers: Orphanet 140162, MedGen C0027672, MeSH D009386, MONDO:0015356.

Submissions (2):

Myriad Genetics, Inc.
Classification: Benign for Breast-ovarian cancer, familial, susceptibility to, 3. Last evaluated: 2025-02-14. Review status: criteria provided, single submitter. Criteria: Myriad Autosomal Dominant, Autosomal Recessive and X-Linked Classification Criteria (2023). Collection method: clinical testing. Allele origin: unknown.
Comment: This variant is considered benign. This variant is a silent/synonymous amino acid change and it is not expected to impact splicing.

Ambry Genetics
Classification: Likely benign for Hereditary cancer-predisposing syndrome. Last evaluated: 2024-04-11. Review status: criteria provided, single submitter. Criteria: Ambry Variant Classification Scheme 2023. Collection method: clinical testing. Allele origin: germline.

NM_058216.3(RAD51C):c.60T>A (p.Ser20=)

Gene: RAD51C (RAD51 paralog C; plus strand). Cytogenetic location: 17q22.
Variant type: single nucleotide variant.
Coding change: c.60T>A on transcript NM_058216.3 (MANE Select); coding-DNA position 60, T replaced by A.
Protein change: p.Ser20=; no amino-acid change (serine 20 retained).
Molecular consequence: synonymous variant. On other transcripts: non-coding transcript variant (1).
Genome position (GRCh38, 1-based): chr17:58,692,703, T>A. VCF-style: chr17-58692703-T-A. GRCh37 (hg19) VCF-style: chr17-56770064-T-A.
Other names: c.60T>A, p.Ser20= (NM_002876.4).
Identifiers: ClinVar variation 3312383 (VCV003312383.2).